The following is an entry in ClinVar:

ClinVar aggregate classification (germline): Conflicting classifications of pathogenicity. Review status: criteria provided, conflicting classifications (1 of 4 stars). 9 submissions from 9 submitters: Uncertain significance (1); Benign (3); Likely benign (5). Last evaluated 2026-01-12.

Conditions:
TRPV4-related disorder. Also called: TRPV4-related disorders; TRPV4-related condition.
Charcot-Marie-Tooth disease. Also called: Charcot-Marie-Tooth Neuropathy; Charcot-Marie-Tooth Hereditary Neuropathy. Identifiers: Orphanet 166, MedGen C0007959, MONDO:0015626.
Inborn genetic diseases. Identifiers: MedGen C0950123, MeSH D030342.
Charcot-Marie-Tooth disease axonal type 2C (HMSN2C). Also called: Charcot-Marie-Tooth Disease Type 2, TRPV4-Related (CMT2C); CHARCOT-MARIE-TOOTH DISEASE, AXONAL, AUTOSOMAL DOMINANT, TYPE 2C; Charcot-Marie-Tooth Neuropathy Type 2C. Identifiers: Orphanet 99937, MedGen C1853710, MONDO:0011633, OMIM 606071.

Allele frequency attached by ClinVar (database versions not stated): TOPMed 0.00026; ESP Exome Variant Server 0.00040; gnomAD exomes 0.00046 and 0.00058; gnomAD 0.00052 and 0.00054; ExAC 0.00061.

Submissions (9):

Labcorp Genetics (formerly Invitae), Labcorp
Classification: Benign for Charcot-Marie-Tooth disease axonal type 2C. Last evaluated: 2026-01-12. Review status: criteria provided, single submitter. Criteria: Invitae Variant Classification Sherloc (09022015). Collection method: clinical testing. Allele origin: germline.

PreventionGenetics, part of Exact Sciences
Classification: Likely benign for TRPV4-related condition. Last evaluated: 2025-05-28. Review status: criteria provided, single submitter. Criteria: ACMG Guidelines, 2015. Collection method: clinical testing. Allele origin: germline.
Comment: This variant is classified as likely benign based on ACMG/AMP sequence variant interpretation guidelines (Richards et al. 2015 PMID: 25741868, with internal and published modifications).

Women's Health and Genetics/Laboratory Corporation of America, LabCorp
Classification: Benign. Last evaluated: 2025-01-20. Review status: criteria provided, single submitter. Criteria: LabCorp Variant Classification Summary - May 2015. Collection method: clinical testing. Allele origin: germline.
Comment: Variant summary: TRPV4 c.1656delC (p.Tyr553ThrfsX8) results in a premature termination codon, predicted to cause a truncation of the encoded protein or absence of the protein due to nonsense mediated decay, however current evidence is not sufficient to establish loss of function as a mechanism for disease. The variant allele was found at a frequency of 0.00058 in 251256 control chromosomes. The observed variant frequency is approximately 577.1 fold of the estimated maximal expected allele frequency for a pathogenic variant in TRPV4 causing TRPV4-Related Hereditary Motor And Sensory Neuropathy phenotype (1e-06). c.1656delC has been reported in the literature in individuals affected with spinal muscular atrophy and Charcot-Marie-Tooth disease, however these report(s) do not provide unequivocal conclusions about association of the variant with TRPV-related conditions (e.g., Soden_2014, Volodarsky_2021). To our knowledge, no experimental evidence demonstrating an impact on protein function has been reported. The following publications have been ascertained in the context of this evaluation (PMID: 25473036, 32376792). ClinVar contains an entry for this variant (Variation ID: 241385). Based on the evidence outlined above, the variant was classified as benign.

Blueprint Genetics
Classification: Likely benign. Last evaluated: 2024-11-25. Review status: criteria provided, single submitter. Criteria: ACMG Guidelines, 2015. Collection method: clinical testing. Allele origin: germline.

CeGaT Center for Human Genetics Tuebingen
Classification: Benign. Last evaluated: 2024-07-01. Review status: criteria provided, single submitter. Criteria: CeGaT Center For Human Genetics Tuebingen Variant Classification Criteria Version 2. Collection method: clinical testing. Allele origin: germline. Affected: yes. Observed: 3 variant alleles.
Comment: TRPV4: BS1, BS2

GeneDx
Classification: Likely benign. Last evaluated: 2021-06-24. Review status: criteria provided, single submitter. Criteria: GeneDx Variant Classification Process June 2021. Collection method: clinical testing. Allele origin: germline. Affected: yes.
Comment: This variant is associated with the following publications: (PMID: 25473036)

Ambry Genetics
Classification: Likely benign for Inborn genetic diseases. Last evaluated: 2019-09-18. Review status: criteria provided, single submitter. Criteria: Ambry Variant Classification Scheme 2023. Collection method: clinical testing. Allele origin: germline.

ARUP Laboratories, Molecular Genetics and Genomics, ARUP Laboratories
Classification: Uncertain significance. Last evaluated: 2016-08-26. Review status: criteria provided, single submitter. Criteria: ARUP Molecular Germline Variant Investigation Process. Collection method: clinical testing. Allele origin: germline.

Molecular Genetics Laboratory, London Health Sciences Centre
Classification: Likely benign for Charcot-Marie-Tooth disease. Review status: criteria provided, single submitter. Criteria: ACMG Guidelines, 2015. Collection method: clinical testing. Allele origin: germline. Affected: yes.

Literature cited by the submitters: PubMed 32376792 (cited by Women's Health and Genetics/Laboratory Corporation of America, LabCorp); PubMed 25473036 (cited by Women's Health and Genetics/Laboratory Corporation of America, LabCorp).

NM_021625.5(TRPV4):c.1656del (p.Tyr553fs)

Gene: TRPV4 (transient receptor potential cation channel subfamily V member 4; minus strand). Cytogenetic location: 12q24.11.
Variant type: Deletion.
Coding change: c.1656del on transcript NM_021625.5 (MANE Select); coding-DNA position 1656, one base deleted (C; older notation c.1656delC).
Protein change: p.Tyr553fs; shifts the reading frame from tyrosine 553.
Molecular consequence: frameshift variant.
Genome position (GRCh38, 1-based): chr12:109,793,529, G deleted on the plus strand (C on the coding strand, the reverse complement: TRPV4 is on the minus strand). VCF-style (leftmost placement, unchanged base first): chr12-109793528-AG-A. GRCh37 (hg19) VCF-style: chr12-110231333-AG-A.
Other names: c.1515delC, p.Tyr506Thrfs (NM_001177428.2); c.1554delC, p.Tyr519Thrfs (NM_001177431.2); c.1335delC, p.Tyr446Thrfs (NM_001177433.2); c.1656delC, p.Tyr553Thrfs (NM_021625.4); c.1476delC, p.Tyr493Thrfs (NM_147204.3); c.1656delC (NM_021625.5); short protein forms Y493fs, Y506fs, Y553fs, Y446fs, Y519fs.
Identifiers: ClinVar variation 241385 (VCV000241385.49), dbSNP rs541606391, ClinGen allele CA6780138.